The following is an entry in ClinVar:

NM_004304.5(ALK):c.4226A>T (p.Glu1409Val)

Gene: ALK (ALK receptor tyrosine kinase; minus strand). Cytogenetic location: 2p23.2.
Variant type: single nucleotide variant.
Coding change: c.4226A>T on transcript NM_004304.5 (MANE Select); coding-DNA position 4226, A replaced by T.
Protein change: p.Glu1409Val; replaces glutamic acid 1409 with valine.
Molecular consequence: missense variant.
Genome position (GRCh38, 1-based): chr2:29,193,861, T>A on the plus strand (A>T on the coding strand, the complement: ALK is on the minus strand). VCF-style: chr2-29193861-T-A. GRCh37 (hg19) VCF-style: chr2-29416727-T-A.
Other names: c.1022A>T, p.Glu341Val (NM_001353765.2); short protein forms E1409V, E341V.
Identifiers: ClinVar variation 862881 (VCV000862881.11), dbSNP rs1286165795, ClinGen allele CA346463201.

ClinVar aggregate classification (germline): Uncertain significance. Review status: criteria provided, multiple submitters, no conflicts (2 of 4 stars). 2 submissions from 2 submitters: Uncertain significance (2). Last evaluated 2025-08-03.

Conditions:
Hereditary cancer-predisposing syndrome. Also called: Tumor predisposition; Hereditary Cancer Syndrome; Neoplastic Syndromes, Hereditary; Hereditary neoplastic syndrome. Identifiers: Orphanet 140162, MedGen C0027672, MeSH D009386, MONDO:0015356.
Neuroblastoma, susceptibility to, 3. Also called: ALK-Related Neuroblastic Tumor Susceptibility. Identifiers: Orphanet 635, MedGen C2751681, MONDO:0013083, OMIM 613014.

Submissions (2):

Labcorp Genetics (formerly Invitae), Labcorp
Classification: Uncertain significance for Neuroblastoma, susceptibility to, 3. Last evaluated: 2025-08-03. Review status: criteria provided, single submitter. Criteria: Invitae Variant Classification Sherloc (09022015). Collection method: clinical testing. Allele origin: germline.
Comment: This sequence change replaces glutamic acid, which is acidic and polar, with valine, which is neutral and non-polar, at codon 1409 of the ALK protein (p.Glu1409Val). This variant is not present in population databases (gnomAD no frequency). This variant has not been reported in the literature in individuals affected with ALK-related conditions. ClinVar contains an entry for this variant (Variation ID: 862881). An algorithm developed to predict the effect of missense changes on protein structure and function (PolyPhen-2) suggests that this variant is likely to be disruptive. In summary, the available evidence is currently insufficient to determine the role of this variant in disease. Therefore, it has been classified as a Variant of Uncertain Significance.

Ambry Genetics
Classification: Uncertain significance for Hereditary cancer-predisposing syndrome. Last evaluated: 2023-04-07. Review status: criteria provided, single submitter. Criteria: Ambry Variant Classification Scheme 2023. Collection method: clinical testing. Allele origin: germline.
Comment: The p.E1409V variant (also known as c.4226A>T), located in coding exon 29 of the ALK gene, results from an A to T substitution at nucleotide position 4226. The glutamic acid at codon 1409 is replaced by valine, an amino acid with dissimilar properties. This amino acid position is conserved. In addition, the in silico prediction for this alteration is inconclusive. Since supporting evidence is limited at this time, the clinical significance of this alteration remains unclear.